The following is an entry in ClinVar:

ClinVar aggregate classification (germline): Uncertain significance. Review status: criteria provided, multiple submitters, no conflicts (2 of 4 stars). 3 submissions from 3 submitters: Uncertain significance (3). Last evaluated 2026-02-25.

Conditions:
Inborn genetic diseases. Identifiers: MedGen C0950123, MeSH D030342.

Allele frequency attached by ClinVar (database versions not stated): gnomAD 0.00002; ESP Exome Variant Server 0.00008.
gnomAD v4.1: 40 of 1,612,412 alleles (0.0025%); highest among the groups gnomAD compares: Middle Eastern, 0.049%; no homozygotes.

Submissions (3):

GeneDx
Classification: Uncertain significance. Last evaluated: 2026-02-25. Review status: criteria provided, single submitter. Criteria: GeneDx Variant Classification Process June 2021. Collection method: clinical testing. Allele origin: germline.
Comment: Not observed at significant frequency in large population cohorts (gnomAD); In silico analysis suggests that this missense variant does not alter protein structure/function; Has not been previously published as pathogenic or benign to our knowledge

Ambry Genetics
Classification: Uncertain significance for Inborn genetic diseases. Last evaluated: 2024-05-15. Review status: criteria provided, single submitter. Criteria: Ambry Variant Classification Scheme 2023. Collection method: clinical testing. Allele origin: germline.

Labcorp Genetics (formerly Invitae), Labcorp
Classification: Uncertain significance. Last evaluated: 2022-09-19. Review status: criteria provided, single submitter. Criteria: Invitae Variant Classification Sherloc (09022015). Collection method: clinical testing. Allele origin: germline.
Comment: This sequence change replaces arginine, which is basic and polar, with threonine, which is neutral and polar, at codon 31 of the TSFM protein (p.Arg31Thr). This variant is present in population databases (rs148797631, gnomAD 0.009%). This variant has not been reported in the literature in individuals affected with TSFM-related conditions. Algorithms developed to predict the effect of missense changes on protein structure and function (SIFT, PolyPhen-2, Align-GVGD) all suggest that this variant is likely to be tolerated. In summary, the available evidence is currently insufficient to determine the role of this variant in disease. Therefore, it has been classified as a Variant of Uncertain Significance.

NM_005726.6(TSFM):c.92G>C (p.Arg31Thr)

Gene: TSFM (Ts translation elongation factor, mitochondrial; plus strand). Cytogenetic location: 12q14.1.
Variant type: single nucleotide variant.
Coding change: c.92G>C on transcript NM_005726.6 (MANE Select); coding-DNA position 92, G replaced by C.
Protein change: p.Arg31Thr; replaces arginine 31 with threonine.
Molecular consequence: missense variant.
Genome position (GRCh38, 1-based): chr12:57,783,144, G>C. VCF-style: chr12-57783144-G-C. GRCh37 (hg19) VCF-style: chr12-58176927-G-C.
Other names: c.92G>C, p.Arg31Thr (NM_001172695.2, NM_001172696.2, NM_001172697.2); c.92G>C (NM_001172696.1); short protein forms R31T.
Identifiers: ClinVar variation 2421901 (VCV002421901.5), dbSNP rs148797631, ClinGen allele CA6659217.
Genomic context (GRCh38, chr12:57,783,144, plus strand): 5'-CCTCATCCCTTTCTTATCTCATCTAGGCTGGGTCTCTTCTGCGTCAGTCGCCCCAGCCAA[G>C]GCACACATTTTATGCTGGGCCCCGTCTGTCTGCCTCGGCCTCCAGCAAGGAGCTCCTCAT-3'
Protein context (NP_005717.3, residues 21-41): GSLLRQSPQP[Arg31Thr]HTFYAGPRLS